The following is an entry in ClinVar:

ClinVar aggregate classification (germline): Likely benign. Review status: criteria provided, single submitter (1 of 4 stars). 2 submissions from 2 submitters: Likely benign (1). 1 of the submissions does not count toward it. Last evaluated 2017-10-27.

Conditions:
KATNAL2-related disorder. Also called: KATNAL2-related condition.

Allele frequency attached by ClinVar (database versions not stated): ExAC 0.00045; 1000 Genomes Project 0.00060; gnomAD 0.00114; ESP Exome Variant Server 0.00115; TOPMed 0.00130; 1000 Genomes Project 30x 0.00141.
gnomAD v4.1: 332 of 1,613,160 alleles (0.021%); highest among the groups gnomAD compares: African/African-American, 0.38%; 1 homozygote.

Submissions (2):

Ambry Genetics
Classification: Likely benign. Last evaluated: 2017-10-27. Review status: criteria provided, single submitter. Criteria: Ambry Variant Classification Scheme 2023. Collection method: clinical testing. Allele origin: germline.

PreventionGenetics, part of Exact Sciences
Classification: Likely benign for KATNAL2-related condition. Last evaluated: 2023-12-27. Review status: no assertion criteria provided. Collection method: clinical testing. Allele origin: germline. Not counted in ClinVar's aggregate classification.
Comment: This variant is classified as likely benign based on ACMG/AMP sequence variant interpretation guidelines (Richards et al. 2015 PMID: 25741868, with internal and published modifications).

NM_001387690.1(KATNAL2):c.306G>A (p.Pro102=)

Gene: KATNAL2 (katanin catalytic subunit A1 like 2; plus strand). Cytogenetic location: 18q21.1.
Variant type: single nucleotide variant.
Coding change: c.306G>A on transcript NM_001387690.1 (MANE Select); coding-DNA position 306, G replaced by A.
Protein change: p.Pro102=; no amino-acid change (proline 102 retained).
Molecular consequence: synonymous variant. On other transcripts: 5 prime UTR variant (1), non-coding transcript variant (1), intron variant (6).
Genome position (GRCh38, 1-based): chr18:47,054,412, G>A. VCF-style: chr18-47054412-G-A. GRCh37 (hg19) VCF-style: chr18-44580783-G-A.
Other names: c.384G>A, p.Pro128= (NM_001353899.1, NM_001353902.1); c.381G>A, p.Pro127= (NM_001353900.1); c.306G>A, p.Pro102= (NM_001353901.1, NM_001367621.1); c.-40G>A (NM_001353905.1); c.90G>A, p.Pro30= (NM_031303.3); c.-1-3823G>A (NM_001353904.1, NM_001353903.1, NM_001353907.1 and 3 more transcripts).
Identifiers: ClinVar variation 1765800 (VCV001765800.4), dbSNP rs145475005, ClinGen allele CA8954888.
Genomic context (GRCh38, chr18:47,054,412, plus strand): 5'-CTTAAAATTATTTTCTTTCCCTCCCAATGTCTGTTTTGTCACAGCAGAAAATAATTTACC[G>A]CAAAGAAGTAGAGGGAAGACCAGAAGGTAAAGTGAATGGTAATTCTTCTTAATCGACTCG-3'
Protein context (NP_001374619.1, residues 92-112): KSSDTAENNL[Pro102=]QRSRGKTRRM